The following is an entry in ClinVar:

NM_172351.3(CD46):c.475+33A>G

Gene: CD46 (CD46 molecule; plus strand). Cytogenetic location: 1q32.2.
Variant type: single nucleotide variant.
Coding change: c.475+33A>G on transcript NM_172351.3 (MANE Select); 33 bases into the intron after coding-DNA position 475, A replaced by G.
Molecular consequence: intron variant.
Genome position (GRCh38, 1-based): chr1:207,759,757, A>G. VCF-style: chr1-207759757-A-G. GRCh37 (hg19) VCF-style: chr1-207933102-A-G.
Other names: c.475+33A>G (NM_002389.4, NM_172359.3, NM_153826.4 and 8 more transcripts).
Identifiers: ClinVar variation 4291223 (VCV004291223.1).
Genomic context (GRCh38, chr1:207,759,757, plus strand): 5'-TGGAGCGGTAAGCCCCCAATATGTGAAAGTAAGTAAATTCTTTTTTTTTAAATTTAGACC[A>G]GTAGTCCTCAAAGATTTTTGCCTCCTTTACACCCTTTACACTTTAAGATTAACAAAGATC-3'

ClinVar aggregate classification (germline): Likely benign (1 of 4 stars; one submission).

Conditions:
Atypical hemolytic-uremic syndrome. Identifiers: Orphanet 2134, MedGen C2931788, MONDO:0016244.

gnomAD v4.1: 144 of 1,295,746 alleles (0.011%); highest among the groups gnomAD compares: South Asian, 0.16%; 1 homozygote.

Submission:

Genomenon, Inc
Classification: Likely benign for Atypical hemolytic-uremic syndrome. Last evaluated: 2025-10-02. Review status: criteria provided, single submitter. Criteria: Genomenon Sequence Variant Interpretation Standards. Collection method: curation. Allele origin: germline. Affected: yes.
Comment: CD46 c.475+33A>G is an intronic variant in intron 4. This variant has been observed in at least one proband affected with atypical hemolytic-uremic syndrome (PMID:29644059). This variant’s allele frequency in gnomAD is greater than expected for this disorder. In conclusion, we classify CD46 c.475+33A>G as a likely benign variant.

Literature cited by the submitters: PubMed 29644059.